The following is an entry in ClinVar:

ClinVar aggregate classification (germline): Uncertain significance (1 of 4 stars; one submission).

Allele frequency attached by ClinVar (database versions not stated): gnomAD exomes 0.00001.
gnomAD v4.1: 4 of 1,613,940 alleles (0.00025%); highest among the groups gnomAD compares: South Asian, 0.0022%; no homozygotes.

Submission:

Labcorp Genetics (formerly Invitae), Labcorp
Classification: Uncertain significance. Last evaluated: 2021-06-19. Review status: criteria provided, single submitter. Criteria: Invitae Variant Classification Sherloc (09022015). Collection method: clinical testing. Allele origin: germline.
Comment: In summary, the available evidence is currently insufficient to determine the role of this variant in disease. Therefore, it has been classified as a Variant of Uncertain Significance. Algorithms developed to predict the effect of missense changes on protein structure and function are either unavailable or do not agree on the potential impact of this missense change (SIFT: "Tolerated"; PolyPhen-2: "Probably Damaging"; Align-GVGD: "Class C0"). This variant has not been reported in the literature in individuals with RHOBTB2-related conditions. This variant is not present in population databases (ExAC no frequency). This sequence change replaces glycine with alanine at codon 196 of the RHOBTB2 protein (p.Gly196Ala). The glycine residue is highly conserved and there is a small physicochemical difference between glycine and alanine.

NM_015178.3(RHOBTB2):c.521G>C (p.Gly174Ala)

Gene: RHOBTB2 (Rho related BTB domain containing 2; plus strand). Cytogenetic location: 8p21.3.
Variant type: single nucleotide variant.
Coding change: c.521G>C on transcript NM_015178.3 (MANE Select); coding-DNA position 521, G replaced by C.
Protein change: p.Gly174Ala; replaces glycine 174 with alanine.
Molecular consequence: missense variant.
Genome position (GRCh38, 1-based): chr8:23,006,766, G>C. VCF-style: chr8-23006766-G-C. GRCh37 (hg19) VCF-style: chr8-22864279-G-C.
Other names: c.521G>C, p.Gly174Ala (NM_001374791.1); c.587G>C, p.Gly196Ala (NM_001160036.2); c.542G>C, p.Gly181Ala (NM_001160037.2); short protein forms G196A, G174A, G181A.
Identifiers: ClinVar variation 1362672 (VCV001362672.8), dbSNP rs1179551980, ClinGen allele CA370563657.